The following is an entry in ClinVar:

ClinVar aggregate classification (germline): Uncertain significance. Review status: criteria provided, multiple submitters, no conflicts (2 of 4 stars). 2 submissions from 2 submitters: Uncertain significance (2). Last evaluated 2026-07-06.

Conditions:
Hereditary cancer-predisposing syndrome. Also called: Neoplastic Syndromes, Hereditary; Tumor predisposition; Hereditary Cancer Syndrome; Hereditary neoplastic syndrome. Identifiers: Orphanet 140162, MedGen C0027672, MeSH D009386, MONDO:0015356.

Submissions (2):

Ambry Genetics
Classification: Uncertain significance for Hereditary cancer-predisposing syndrome. Last evaluated: 2026-07-06. Review status: criteria provided, single submitter. Criteria: Ambry Variant Classification Scheme 2023. Collection method: clinical testing. Allele origin: germline.
Comment: The p.G240V variant (also known as c.719G>T), located in coding exon 3 of the PHOX2B gene, results from a G to T substitution at nucleotide position 719. The glycine at codon 240 is replaced by valine, an amino acid with dissimilar properties. This amino acid position is conserved. In addition, this alteration is predicted to be tolerated by in silico analysis. Based on the available evidence, the clinical significance of this variant remains unclear.

Blueprint Genetics
Classification: Uncertain significance. Last evaluated: 2020-03-20. Review status: criteria provided, single submitter. Criteria: ACMG Guidelines, 2015. Collection method: clinical testing. Allele origin: germline.

NM_003924.4(PHOX2B):c.719G>T (p.Gly240Val)

Gene: PHOX2B (paired like homeobox 2B; minus strand). Cytogenetic location: 4p13.
Variant type: single nucleotide variant.
Coding change: c.719G>T on transcript NM_003924.4 (MANE Select); coding-DNA position 719, G replaced by T.
Protein change: p.Gly240Val; replaces glycine 240 with valine.
Molecular consequence: missense variant.
Genome position (GRCh38, 1-based): chr4:41,746,033, C>A on the plus strand (G>T on the coding strand, the complement: PHOX2B is on the minus strand). VCF-style: chr4-41746033-C-A. GRCh37 (hg19) VCF-style: chr4-41748050-C-A.
Other names: short protein forms G240V.
Identifiers: ClinVar variation 4967017 (VCV004967017.2).